The following is an entry in ClinVar:

ClinVar aggregate classification (germline): Likely benign. Review status: criteria provided, single submitter (1 of 4 stars). 2 submissions from 1 submitter: Likely benign (2). Last evaluated 2017-04-28.

Conditions:
Autosomal dominant hypophosphatemic rickets (ADHR). Also called: HYPOPHOSPHATEMIA, AUTOSOMAL DOMINANT; VITAMIN D-RESISTANT RICKETS, AUTOSOMAL DOMINANT. Identifiers: Orphanet 89937, MedGen C0342642, MONDO:0008660, OMIM 193100.
Tumoral calcinosis, hyperphosphatemic, familial, 2. Identifiers: MedGen C4693863, MONDO:0060714, OMIM 617993.

Allele frequency attached by ClinVar (database versions not stated): gnomAD exomes 0.00062; gnomAD 0.00685 and 0.00731; 1000 Genomes Project 0.00759; 1000 Genomes Project 30x 0.00796.
gnomAD v4.1: 974 of 215,982 alleles (0.45%); highest among the groups gnomAD compares: African/African-American, 2.4%; 17 homozygotes.

Submissions (2):

Illumina Laboratory Services, Illumina
Classification: Likely benign for Autosomal dominant hypophosphatemic rickets. Last evaluated: 2017-04-28. Review status: criteria provided, single submitter. Criteria: ICSL Variant Classification Criteria 13 December 2019. Collection method: clinical testing. Allele origin: germline.
Comment: This variant was observed as part of a predisposition screen in an ostensibly healthy population. A literature search was performed for the gene, cDNA change, and amino acid change (where applicable). No publications were found based on this search. Allele frequency data from public databases allowed determination this variant is unlikely to cause disease. Therefore, this variant is classified as likely benign.

Illumina Laboratory Services, Illumina
Classification: Likely benign for Tumoral calcinosis, hyperphosphatemic, familial, 2. Last evaluated: 2017-04-28. Review status: criteria provided, single submitter. Criteria: ICSL Variant Classification Criteria 13 December 2019. Collection method: clinical testing. Allele origin: germline.
Comment: the same text as in the submission from Illumina Laboratory Services, Illumina above.

NM_020638.3(FGF23):c.*388G>A

Gene: FGF23 (fibroblast growth factor 23; minus strand). Cytogenetic location: 12p13.32.
Variant type: single nucleotide variant.
Coding change: c.*388G>A on transcript NM_020638.3 (MANE Select); 388 bases downstream of the stop codon, G replaced by A.
Molecular consequence: 3 prime UTR variant.
Genome position (GRCh38, 1-based): chr12:4,369,955, C>T on the plus strand (G>A on the coding strand, the complement: FGF23 is on the minus strand). VCF-style: chr12-4369955-C-T. GRCh37 (hg19) VCF-style: chr12-4479121-C-T.
Identifiers: ClinVar variation 308789 (VCV000308789.5), dbSNP rs13312795, ClinGen allele CA10642184.